The following is an entry in ClinVar:

NM_014797.3(ZBTB24):c.1439dup (p.His480fs)

Gene: ZBTB24 (zinc finger and BTB domain containing 24; minus strand). Cytogenetic location: 6q21.
Variant type: Duplication.
Coding change: c.1439dup on transcript NM_014797.3 (MANE Select); coding-DNA position 1439, one base duplicated (A; older notation c.1439dupA).
Protein change: p.His480fs; shifts the reading frame from histidine 480.
Molecular consequence: frameshift variant.
Genome position (GRCh38, 1-based): chr6:109,466,506, T duplicated on the plus strand (A on the coding strand, the reverse complement: ZBTB24 is on the minus strand). VCF-style (leftmost placement, unchanged base first): chr6-109466505-G-GT. GRCh37 (hg19) VCF-style: chr6-109787708-G-GT.
Other names: short protein forms H480fs.
Identifiers: ClinVar variation 2071437 (VCV002071437.4), dbSNP rs2482852662, ClinGen allele CA2580074776.

ClinVar aggregate classification (germline): Pathogenic (1 of 4 stars; one submission).

Conditions:
Immunodeficiency-centromeric instability-facial anomalies syndrome 2 (ICF2). Identifiers: Orphanet 2268, MedGen C3279748, MONDO:0013553, OMIM 614069.

Submission:

Labcorp Genetics (formerly Invitae), Labcorp
Classification: Pathogenic for Immunodeficiency-centromeric instability-facial anomalies syndrome 2. Last evaluated: 2025-09-15. Review status: criteria provided, single submitter. Criteria: Invitae Variant Classification Sherloc (09022015). Collection method: clinical testing. Allele origin: germline.
Comment: This sequence change creates a premature translational stop signal (p.His480Glnfs*15) in the ZBTB24 gene. While this is not anticipated to result in nonsense mediated decay, it is expected to disrupt the last 218 amino acid(s) of the ZBTB24 protein. This variant is not present in population databases (gnomAD no frequency). This variant has not been reported in the literature in individuals affected with ZBTB24-related conditions. ClinVar contains an entry for this variant (Variation ID: 2071437). This variant disrupts a region of the ZBTB24 protein in which other variant(s) (p.Gln498Valfs*15) have been determined to be pathogenic (PMID: 29023266, 30511102, 31130284). This suggests that this is a clinically significant region of the protein, and that variants that disrupt it are likely to be disease-causing. For these reasons, this variant has been classified as Pathogenic.

Literature cited by the submitters: PubMed 29023266; PubMed 30511102; PubMed 31130284.